The following is an entry in ClinVar:

NM_005263.5(GFI1):c.61C>T (p.Pro21Ser)

Gene: GFI1 (growth factor independent 1 transcriptional repressor; minus strand). Cytogenetic location: 1p22.1.
Variant type: single nucleotide variant.
Coding change: c.61C>T on transcript NM_005263.5 (MANE Select); coding-DNA position 61, C replaced by T.
Protein change: p.Pro21Ser; replaces proline 21 with serine.
Molecular consequence: missense variant.
Genome position (GRCh38, 1-based): chr1:92,483,427, G>A on the plus strand (C>T on the coding strand, the complement: GFI1 is on the minus strand). VCF-style: chr1-92483427-G-A. GRCh37 (hg19) VCF-style: chr1-92948984-G-A.
Other names: c.61C>T, p.Pro21Ser (NM_001127215.3, NM_001127216.3); short protein forms P21S.
Identifiers: ClinVar variation 4671568 (VCV004671568.1).
Genomic context (GRCh38, chr1:92,483,427, plus strand): 5'-TCGCACCTGCTCGGCTAGGCGCCGGTACATTCTCTAAACGGAGGGAATAGTCTGGTCCTG[G>A]GGAGCGCGGCTGGTGGTAGCTGTGAGCCTTCTTGCTTTTGACGAGAAATGAGCGCGGCAT-3'
Protein context (NP_005254.2, residues 11-31): KAHSYHQPRS[Pro21Ser]GPDYSLRLEN

ClinVar aggregate classification (germline): Uncertain significance (1 of 4 stars; one submission).

Submission:

Ambry Genetics
Classification: Uncertain significance. Last evaluated: 2025-10-03. Review status: criteria provided, single submitter. Criteria: Ambry Variant Classification Scheme 2023. Collection method: clinical testing. Allele origin: germline.
Comment: The p.P21S variant (also known as c.61C>T), located in coding exon 1 of the GFI1 gene, results from a C to T substitution at nucleotide position 61. The proline at codon 21 is replaced by serine, an amino acid with similar properties. This amino acid position is conserved. In addition, this alteration is predicted to be tolerated by in silico analysis. Based on the available evidence, the clinical significance of this variant remains unclear.